The following is an entry in ClinVar:

ClinVar aggregate classification (germline): Likely benign. Review status: criteria provided, multiple submitters, no conflicts (2 of 4 stars). 4 submissions from 4 submitters: Likely benign (4). Last evaluated 2025-11-11.

Conditions:
Hypophosphatasia. Also called: Phosphoethanol-aminuria. Identifiers: Orphanet 436, MedGen C0020630, MeSH D007014, MONDO:0018570.

Allele frequency attached by ClinVar (database versions not stated): gnomAD 0.00003; gnomAD exomes 0.00004; TOPMed 0.00005; ExAC 0.00006; ESP Exome Variant Server 0.00015.
gnomAD v4.1: 56 of 1,612,316 alleles (0.0035%); highest among the groups gnomAD compares: South Asian, 0.016%; no homozygotes.

Submissions (4):

Women's Health and Genetics/Laboratory Corporation of America, LabCorp
Classification: Likely benign. Last evaluated: 2025-11-11. Review status: criteria provided, single submitter. Criteria: LabCorp Variant Classification Summary - May 2015. Collection method: clinical testing. Allele origin: germline.

Genomenon, Inc
Classification: Likely benign for Hypophosphatasia. Last evaluated: 2025-08-29. Review status: criteria provided, single submitter. Criteria: Genomenon Sequence Variant Interpretation Standards. Collection method: curation. Allele origin: germline. Affected: no.
Comment: ALPL c.1365C>T is a synonymous variant that retains Glycine at residue 455. This variant has been reported in the published literature (PMID:28017821;30283886). This synonymous variant is not predicted to impact splicing. It is absent or not present at a significant frequency in gnomAD. In conclusion, we classify ALPL p.Gly455= (c.1365C>T) as a likely benign variant.

Labcorp Genetics (formerly Invitae), Labcorp
Classification: Likely benign. Last evaluated: 2025-06-11. Review status: criteria provided, single submitter. Criteria: Invitae Variant Classification Sherloc (09022015). Collection method: clinical testing. Allele origin: germline.

Mayo Clinic Laboratories, Mayo Clinic
Classification: Likely benign. Last evaluated: 2025-03-31. Review status: criteria provided, single submitter. Criteria: ACMG Guidelines, 2015. Collection method: clinical testing. Allele origin: germline. Observed: 1 variant allele.
Comment: BP4, BP7, PM2_supporting

Literature cited by the submitters: PubMed 28017821 (cited by Genomenon, Inc and Mayo Clinic Laboratories, Mayo Clinic); PubMed 30283886 (cited by Genomenon, Inc and Mayo Clinic Laboratories, Mayo Clinic).

NM_000478.6(ALPL):c.1365C>T (p.Gly455=)

Gene: ALPL (alkaline phosphatase, biomineralization associated; plus strand). Cytogenetic location: 1p36.12.
Variant type: single nucleotide variant.
Coding change: c.1365C>T on transcript NM_000478.6 (MANE Select); coding-DNA position 1365, C replaced by T.
Protein change: p.Gly455=; no amino-acid change (glycine 455 retained).
Molecular consequence: synonymous variant.
Genome position (GRCh38, 1-based): chr1:21,577,438, C>T. VCF-style: chr1-21577438-C-T. GRCh37 (hg19) VCF-style: chr1-21903931-C-T.
Other names: p.Gly455=; c.1200C>T, p.Gly400= (NM_001127501.4); c.1134C>T, p.Gly378= (NM_001177520.3); c.1365C>T, p.Gly455= (NM_001369803.2, NM_001369804.2, NM_001369805.2).
Identifiers: ClinVar variation 1146168 (VCV001146168.12), dbSNP rs370212283, ClinGen allele CA666835.